The following is an entry in ClinVar:

NM_017617.5(NOTCH1):c.1446C>A (p.Tyr482Ter)

Gene: NOTCH1 (notch receptor 1; minus strand). Cytogenetic location: 9q34.3.
Variant type: single nucleotide variant.
Coding change: c.1446C>A on transcript NM_017617.5 (MANE Select); coding-DNA position 1446, C replaced by A.
Protein change: p.Tyr482Ter; replaces tyrosine 482 with a stop codon.
Molecular consequence: nonsense.
Genome position (GRCh38, 1-based): chr9:136,517,381, G>T on the plus strand (C>A on the coding strand, the complement: NOTCH1 is on the minus strand). VCF-style: chr9-136517381-G-T. GRCh37 (hg19) VCF-style: chr9-139411833-G-T.
Other names: short protein forms Y482*.
Identifiers: ClinVar variation 4294443 (VCV004294443.1).
Genomic context (GRCh38, chr9:136,517,381, plus strand): 5'-ATTGTGCAGGCAGGGGCTGCTGGCACACTCGTCTGTGTTGACCTCGCAGTGCACACCCTC[G>T]TAGCCTGTGGGGTGGGGCAACAGTGAGGGGGGCACGCGCGGCCCCAGTGCCCCACTGGGC-3'

ClinVar aggregate classification (germline): Likely pathogenic (1 of 4 stars; one submission).

Conditions:
Aortic valve disease 1 (AOVD1). Identifiers: MedGen C3887892, MONDO:0024523, OMIM 109730.
Adams-Oliver syndrome 5 (AOS5). Identifiers: Orphanet 974, MedGen C4014970, MONDO:0014459, OMIM 616028.

Submission:

Molecular Genetics Department, Kulakov National Medical Research Center for Obstetrics, Gynecology and Perinatology
Classification: Likely pathogenic for Aortic valve disease 1; Adams-Oliver syndrome 5. Review status: criteria provided, single submitter. Criteria: ACMG Guidelines, 2015. Collection method: clinical testing. Allele origin: germline. Affected: yes. Observed: 1 variant allele.
Comment: A previously undescribed heterozygous nucleotide variant creates a premature translation stop signal p.Tyr482Ter in the NOTCH1 gene. Heterozygous variants leading to loss of full-length protein are reported in patients with Adams-Oliver syndrome 5, 616028; Aortic valve disease 1, 109730. The variant is not present in population database (gnomAD no frequency). In summary, the currently available evidence indicates that the variant is pathogenic, but additional data are needed to prove that conclusively. Therefore, this variant has been classified as likely pathogenic.